The following is an entry in ClinVar:

ClinVar aggregate classification (germline): Uncertain significance (1 of 4 stars; one submission).

Conditions:
ALG8 congenital disorder of glycosylation. Also called: CONGENITAL DISORDER OF GLYCOSYLATION, TYPE Ih; CDG Ih; ALG8-CDG. Identifiers: Orphanet 79325, MedGen C2931002, MONDO:0011969, OMIM 608104.

Submission:

Labcorp Genetics (formerly Invitae), Labcorp
Classification: Uncertain significance for ALG8 congenital disorder of glycosylation. Last evaluated: 2024-09-27. Review status: criteria provided, single submitter. Criteria: Invitae Variant Classification Sherloc (09022015). Collection method: clinical testing. Allele origin: germline.
Comment: This sequence change replaces leucine, which is neutral and non-polar, with arginine, which is basic and polar, at codon 257 of the ALG8 protein (p.Leu257Arg). This variant is not present in population databases (gnomAD no frequency). This variant has not been reported in the literature in individuals affected with ALG8-related conditions. Invitae Evidence Modeling of protein sequence and biophysical properties (such as structural, functional, and spatial information, amino acid conservation, physicochemical variation, residue mobility, and thermodynamic stability) indicates that this missense variant is not expected to disrupt ALG8 protein function with a negative predictive value of 80%. In summary, the available evidence is currently insufficient to determine the role of this variant in disease. Therefore, it has been classified as a Variant of Uncertain Significance.

NM_024079.5(ALG8):c.770T>G (p.Leu257Arg)

Gene: ALG8 (ALG8 alpha-1,3-glucosyltransferase; minus strand). Cytogenetic location: 11q14.1.
Variant type: single nucleotide variant.
Coding change: c.770T>G on transcript NM_024079.5 (MANE Select); coding-DNA position 770, T replaced by G.
Protein change: p.Leu257Arg; replaces leucine 257 with arginine.
Molecular consequence: missense variant. On other transcripts: non-coding transcript variant (2), intron variant (2).
Genome position (GRCh38, 1-based): chr11:78,113,893, A>C on the plus strand (T>G on the coding strand, the complement: ALG8 is on the minus strand). VCF-style: chr11-78113893-A-C. GRCh37 (hg19) VCF-style: chr11-77824939-A-C.
Other names: c.770T>G, p.Leu257Arg (NM_001007027.3, NM_001425221.1, NM_001425222.1 and 10 more transcripts); c.773T>G, p.Leu258Arg (NM_001425219.1); c.755T>G, p.Leu252Arg (NM_001425220.1); c.863T>G, p.Leu288Arg (NM_001425224.1); c.617T>G, p.Leu206Arg (NM_001425226.1, NM_001425235.1, NM_001425236.1); c.569T>G, p.Leu190Arg (NM_001425231.1); c.506T>G, p.Leu169Arg (NM_001425234.1, NM_001425239.1); c.254T>G, p.Leu85Arg (NM_001425241.1); and 3 more; short protein forms L190R, L206R, L258R, L169R, L252R, L288R, L85R, L257R.
Identifiers: ClinVar variation 3704611 (VCV003704611.2).
Genomic context (GRCh38, chr11:78,113,893, plus strand): 5'-AAACACCAACAAAGAACATGTATTAATTGAAAAAAAAAAAAAAAAAGGCTTACCAAGGCC[A>C]GGAAAGGACCCAATGAAAGAGCAGAAACTAAGAAAACAACCAGTCCCAGGGAAATAACAC-3'
Protein context (NP_076984.2, residues 247-267): LVSALSLGPF[Leu257Arg]ALNQLPQVFS